The following is an entry in ClinVar:

ClinVar aggregate classification (germline): Uncertain significance (1 of 4 stars; one submission).

Conditions:
Jeune thoracic dystrophy. Also called: Jeune syndrome; Infantile thoracic dystrophy; Thoracic pelvic phalangeal dystrophy; Jeune's syndrome; Chondroectodermal dysplasia-like syndrome; Short-rib thoracic dysplasia. Identifiers: Orphanet 474, MedGen C0265275, MONDO:0018770.

Allele frequency attached by ClinVar (database versions not stated): ExAC 0.00001; gnomAD exomes 0.00001 and 0.00003.
gnomAD v4.1: 46 of 1,607,850 alleles (0.0029%); highest among the groups gnomAD compares: Non-Finnish European, 0.0037%; no homozygotes.

Submission:

Labcorp Genetics (formerly Invitae), Labcorp
Classification: Uncertain significance for Jeune thoracic dystrophy. Last evaluated: 2022-01-16. Review status: criteria provided, single submitter. Criteria: Invitae Variant Classification Sherloc (09022015). Collection method: clinical testing. Allele origin: germline.
Comment: This sequence change falls in intron 2 of the IFT80 gene. It does not directly change the encoded amino acid sequence of the IFT80 protein. It affects a nucleotide within the consensus splice site. This variant is present in population databases (rs779785603, gnomAD 0.002%). This variant has not been reported in the literature in individuals affected with IFT80-related conditions. ClinVar contains an entry for this variant (Variation ID: 632411). Variants that disrupt the consensus splice site are a relatively common cause of aberrant splicing (PMID: 17576681, 9536098). Algorithms developed to predict the effect of sequence changes on RNA splicing suggest that this variant may create or strengthen a splice site. In summary, the available evidence is currently insufficient to determine the role of this variant in disease. Therefore, it has been classified as a Variant of Uncertain Significance.

Literature cited by the submitters: PubMed 17576681; PubMed 9536098.

NM_020800.3(IFT80):c.38-1C>G

Genes: TRIM59-IFT80 (TRIM59-IFT80 readthrough (NMD candidate); minus strand), IFT80 (intraflagellar transport 80; minus strand). Cytogenetic location: 3q25.33.
Variant type: single nucleotide variant.
Coding change: c.38-1C>G on transcript NM_020800.3 (MANE Select); the canonical splice acceptor site of the intron before coding-DNA position 38, C replaced by G.
Molecular consequence: splice acceptor variant. On other transcripts: intron variant (2).
Genome position (GRCh38, 1-based): chr3:160,381,725, G>C on the plus strand (C>G on the coding strand, the complement: IFT80 is on the minus strand). VCF-style: chr3-160381725-G-C. GRCh37 (hg19) VCF-style: chr3-160099513-G-C.
Other names: c.-368-7C>G (NM_001190241.2, NM_001190242.2).
Identifiers: ClinVar variation 632411 (VCV000632411.8), dbSNP rs779785603, ClinGen allele CA2685583.
Genomic context (GRCh38, chr3:160,381,725, plus strand): 5'-CACTACATGAATACAGCTCTTCAGCAGTAGTCCAGCCCACACAGCTTACTAATTCTTGAT[G>C]TGTCACCATGTTAAAGAGACATAAAACATACAAAAGTCTTTAATCTTAATGAATAATTCA-3'